The following is an entry in ClinVar:

ClinVar aggregate classification (germline): Uncertain significance (1 of 4 stars; one submission).

Conditions:
Luscan-Lumish syndrome. Identifiers: Orphanet 597738, MedGen C4085873, MONDO:0014791, OMIM 616831.

Allele frequency attached by ClinVar (database versions not stated): gnomAD exomes below 0.00001.
gnomAD v4.1: 1 of 1,614,178 alleles (0.000062%); highest among the groups gnomAD compares: Non-Finnish European, 0.000085%; no homozygotes.

Submission:

Labcorp Genetics (formerly Invitae), Labcorp
Classification: Uncertain significance for Luscan-Lumish syndrome. Last evaluated: 2022-02-09. Review status: criteria provided, single submitter. Criteria: Invitae Variant Classification Sherloc (09022015). Collection method: clinical testing. Allele origin: germline.
Comment: In summary, the available evidence is currently insufficient to determine the role of this variant in disease. Therefore, it has been classified as a Variant of Uncertain Significance. Algorithms developed to predict the effect of missense changes on protein structure and function (SIFT, PolyPhen-2, Align-GVGD) all suggest that this variant is likely to be tolerated. ClinVar contains an entry for this variant (Variation ID: 956529). This variant has not been reported in the literature in individuals affected with SETD2-related conditions. This variant is not present in population databases (gnomAD no frequency). This sequence change replaces glutamine, which is neutral and polar, with glutamic acid, which is acidic and polar, at codon 1219 of the SETD2 protein (p.Gln1219Glu).

NM_014159.7(SETD2):c.3655C>G (p.Gln1219Glu)

Gene: SETD2 (SET domain containing 2, histone lysine methyltransferase; minus strand). Cytogenetic location: 3p21.31.
Variant type: single nucleotide variant.
Coding change: c.3655C>G on transcript NM_014159.7 (MANE Select); coding-DNA position 3655, C replaced by G.
Protein change: p.Gln1219Glu; replaces glutamine 1219 with glutamic acid.
Molecular consequence: missense variant. On other transcripts: non-coding transcript variant (1).
Genome position (GRCh38, 1-based): chr3:47,120,981, G>C on the plus strand (C>G on the coding strand, the complement: SETD2 is on the minus strand). VCF-style: chr3-47120981-G-C. GRCh37 (hg19) VCF-style: chr3-47162471-G-C.
Other names: c.3523C>G, p.Gln1175Glu (NM_001349370.3); short protein forms Q1175E, Q1219E.
Identifiers: ClinVar variation 956529 (VCV000956529.6), dbSNP rs2043058188, ClinGen allele CA352521667.